The following is an entry in ClinVar:

NM_032578.4(MYPN):c.1246-284C>T

Gene: MYPN (myopalladin; plus strand). Cytogenetic location: 10q21.3.
Variant type: single nucleotide variant.
Coding change: c.1246-284C>T on transcript NM_032578.4 (MANE Select); 284 bases into the intron before coding-DNA position 1246, C replaced by T.
Molecular consequence: intron variant.
Genome position (GRCh38, 1-based): chr10:68,149,756, C>T. VCF-style: chr10-68149756-C-T. GRCh37 (hg19) VCF-style: chr10-69909513-C-T.
Other names: c.1246-284C>T (NM_001256267.2); c.364-284C>T (NM_001256268.2).
Identifiers: ClinVar variation 683653 (VCV000683653.1), dbSNP rs2673801, ClinGen allele CA13332550.

ClinVar aggregate classification (germline): Benign (1 of 4 stars; one submission).

Allele frequency attached by ClinVar (database versions not stated): 1000 Genomes Project 0.40076; 1000 Genomes Project 30x 0.41006; TOPMed 0.46967; gnomAD 0.47351 and 0.48243.
gnomAD v4.1: 71,822 of 151,966 alleles (47%); highest among the groups gnomAD compares: African/African-American, 56%; 17,547 homozygotes.

Submission:

GeneDx
Classification: Benign. Last evaluated: 2018-06-18. Review status: criteria provided, single submitter. Criteria: GeneDx Variant Classification (06012015). Collection method: clinical testing. Allele origin: germline. Affected: yes.
Comment: This variant is considered likely benign or benign based on one or more of the following criteria: it is a conservative change, it occurs at a poorly conserved position in the protein, it is predicted to be benign by multiple in silico algorithms, and/or has population frequency not consistent with disease.